The following is an entry in ClinVar:

NM_001367624.2(ZNF469):c.6593_6596dup (p.Leu2199fs)

Gene: ZNF469 (zinc finger protein 469; plus strand). Cytogenetic location: 16q24.2.
Variant type: Duplication.
Coding change: c.6593_6596dup on transcript NM_001367624.2 (MANE Select); coding-DNA positions 6593 to 6596, 4 bases duplicated (CTTT; older notation c.6593_6596dupCTTT).
Protein change: p.Leu2199fs; shifts the reading frame from leucine 2199.
Molecular consequence: frameshift variant.
Genome position (GRCh38, 1-based): chr16:88,434,063-88,434,066, CTTT duplicated; duplicating any 4 consecutive bases within chr16:88,434,062-88,434,066 gives the same sequence; the c. name uses the placement nearest the transcript's 3' end. VCF-style (leftmost placement, unchanged base first): chr16-88434061-G-GTCTT. GRCh37 (hg19) VCF-style: chr16-88500469-G-GTCTT.
Other names: short protein forms L2199fs.
Identifiers: ClinVar variation 4531624 (VCV004531624.1).

ClinVar aggregate classification (germline): Pathogenic (1 of 4 stars; one submission).

Conditions:
Brittle cornea syndrome 1 (BCS1). Also called: CORNEAL FRAGILITY, KERATOGLOBUS, BLUE SCLERAE, JOINT HYPEREXTENSIBILITY; EDS6B; FRAGILITAS OCULI WITH JOINT HYPEREXTENSIBILITY; Corneal fragility keratoglobus, blue sclerae AND joint hypermobility; DYSGENESIS MESODERMALIS CORNEAE ET SCLERAE. Identifiers: Orphanet 90354, MedGen C0268344, MONDO:0024543, OMIM 229200.

Submission:

Victorian Clinical Genetics Services, Murdoch Childrens Research Institute
Classification: Pathogenic for Brittle cornea syndrome 1. Last evaluated: 2025-11-11. Review status: criteria provided, single submitter. Criteria: ACMG Guidelines, 2015. Collection method: clinical testing. Allele origin: germline. Affected: yes.
Comment: This variant is classified as Pathogenic. Evidence in support of pathogenic classification: Variant is predicted to result in a truncated protein (premature termination codon is NOT located at least 54 nucleotides upstream of the final exon-exon junction) with at least 1/3 of the protein sequence affected; Variant is absent from gnomAD (v2, v3 and v4); Other protein truncating variants comparable to the one identified in this case have very strong previous evidence for pathogenicity (DECIPHER). Additional information: This variant is homozygous; This gene is associated with autosomal recessive disease; No published evidence of segregation with disease has been identified for this variant; No published functional evidence has been identified for this variant; Loss of function is a known mechanism of disease in this gene and is associated with brittle cornea syndrome 1 (MIM#229200); Inheritance information for this variant is not currently available in this individual.